The following is an entry in ClinVar:

NC_000005.10:g.112707459T>C

Gene: APC (APC regulator of Wnt signaling pathway; plus strand). Cytogenetic location: 5q22.2.
Variant type: single nucleotide variant.
Genome position: GRCh38 VCF-style: chr5-112707459-T-C. GRCh37 (hg19) VCF-style: chr5-112043156-T-C.
Identifiers: ClinVar variation 1054024 (VCV001054024.7), dbSNP rs922938135, ClinGen allele CA124924705.

ClinVar aggregate classification (germline): Uncertain significance (1 of 4 stars; one submission).

Conditions:
Familial adenomatous polyposis 1 (FAP1). Also called: FAMILIAL ADENOMATOUS POLYPOSIS 1, ATTENUATED; POLYPOSIS, ADENOMATOUS INTESTINAL. Identifiers: MedGen C2713442, MONDO:0021056, OMIM 175100. Disease mechanism: loss of function.

Allele frequency attached by ClinVar (database versions not stated): gnomAD 0.00001.

Submission:

Labcorp Genetics (formerly Invitae), Labcorp
Classification: Uncertain significance for Familial adenomatous polyposis 1. Last evaluated: 2024-04-29. Review status: criteria provided, single submitter. Criteria: Invitae Variant Classification Sherloc (09022015). Collection method: clinical testing. Allele origin: germline.
Comment: This variant occurs in a non-coding region of the APC gene. It does not change the encoded amino acid sequence of the APC protein. This variant is present in population databases (no rsID available, gnomAD 0.007%). This variant has not been reported in the literature in individuals affected with APC-related conditions. Experimental studies and prediction algorithms are not available or were not evaluated, and the functional significance of this variant is currently unknown. In summary, the available evidence is currently insufficient to determine the role of this variant in disease. Therefore, it has been classified as a Variant of Uncertain Significance.